The following is an entry in ClinVar:

NM_001348768.2(HECW2):c.2308dup (p.Ala770fs)

Gene: HECW2 (HECT, C2 and WW domain containing E3 ubiquitin protein ligase 2; minus strand). Cytogenetic location: 2q32.3.
Variant type: Duplication.
Coding change: c.2308dup on transcript NM_001348768.2 (MANE Select); coding-DNA position 2308, one base duplicated (G; older notation c.2308dupG).
Protein change: p.Ala770fs; shifts the reading frame from alanine 770.
Molecular consequence: frameshift variant.
Genome position (GRCh38, 1-based): chr2:196,318,582, C duplicated on the plus strand (G on the coding strand, the reverse complement: HECW2 is on the minus strand); the first of 4 consecutive C bases (chr2:196,318,582-196,318,585); duplicating any one gives the same sequence. VCF-style (leftmost placement, unchanged base first): chr2-196318581-G-GC. GRCh37 (hg19) VCF-style: chr2-197183305-G-GC.
Other names: c.1240dup, p.Ala414fs (NM_001304840.3); c.2308dup, p.Ala770fs (NM_020760.4); short protein forms A414fs, A770fs.
Identifiers: ClinVar variation 1699854 (VCV001699854.2), dbSNP rs2105752980, ClinGen allele CA2580065378.

ClinVar aggregate classification (germline): Uncertain significance (1 of 4 stars; one submission).

Submission:

GeneDx
Classification: Uncertain significance. Last evaluated: 2022-01-11. Review status: criteria provided, single submitter. Criteria: GeneDx Variant Classification Process June 2021. Collection method: clinical testing. Allele origin: germline. Affected: yes.
Comment: Not observed at significant frequency in large population cohorts (gnomAD); Frameshift variant predicted to result in protein truncation or nonsense mediated decay in a gene for which loss-of-function is not a known mechanism of disease; Has not been previously published as pathogenic or benign to our knowledge